The following is an entry in ClinVar:

NM_003640.5(ELP1):c.1112A>G (p.Tyr371Cys)

Gene: ELP1 (elongator acetyltransferase complex subunit 1; minus strand). Cytogenetic location: 9q31.3.
Variant type: single nucleotide variant.
Coding change: c.1112A>G on transcript NM_003640.5 (MANE Select); coding-DNA position 1112, A replaced by G.
Protein change: p.Tyr371Cys; replaces tyrosine 371 with cysteine.
Molecular consequence: missense variant.
Genome position (GRCh38, 1-based): chr9:108,912,341, T>C on the plus strand (A>G on the coding strand, the complement: ELP1 is on the minus strand). VCF-style: chr9-108912341-T-C. GRCh37 (hg19) VCF-style: chr9-111674621-T-C.
Other names: c.1112A>G (NM_003640.3); c.770A>G, p.Tyr257Cys (NM_001318360.2); c.65A>G, p.Tyr22Cys (NM_001330749.2); short protein forms Y22C, Y257C, Y371C.
Identifiers: ClinVar variation 1596055 (VCV001596055.9), dbSNP rs747603780, ClinGen allele CA5175122.

ClinVar aggregate classification (germline): Conflicting classifications of pathogenicity. Review status: criteria provided, conflicting classifications (1 of 4 stars). 2 submissions from 2 submitters: Uncertain significance (1); Likely benign (1). Last evaluated 2024-06-15.

Allele frequency attached by ClinVar (database versions not stated): gnomAD exomes 0.00002 and 0.00004; ExAC 0.00003; TOPMed 0.00003; gnomAD 0.00005.
gnomAD v4.1: 38 of 1,614,008 alleles (0.0024%); highest among the groups gnomAD compares: East Asian, 0.025%; 1 homozygote.

Submissions (2):

Ambry Genetics
Classification: Uncertain significance. Last evaluated: 2024-06-15. Review status: criteria provided, single submitter. Criteria: Ambry Variant Classification Scheme 2023. Collection method: clinical testing. Allele origin: germline.
Comment: The p.Y371C variant (also known as c.1112A>G), located in coding exon 10 of the IKBKAP gene, results from an A to G substitution at nucleotide position 1112. The tyrosine at codon 371 is replaced by cysteine, an amino acid with highly dissimilar properties. This amino acid position is conserved. In addition, this alteration is predicted to be tolerated by in silico analysis. Based on the available evidence, the clinical significance of this variant remains unclear.

Labcorp Genetics (formerly Invitae), Labcorp
Classification: Likely benign. Last evaluated: 2024-03-14. Review status: criteria provided, single submitter. Criteria: Invitae Variant Classification Sherloc (09022015). Collection method: clinical testing. Allele origin: germline.